The following is an entry in ClinVar:

ClinVar aggregate classification (germline): Uncertain significance. Review status: criteria provided, single submitter (1 of 4 stars). 2 submissions from 2 submitters: Uncertain significance (1). 1 of the submissions does not count toward it. Last evaluated 2025-08-27.

Conditions:
Inborn genetic diseases. Identifiers: MedGen C0950123, MeSH D030342.

Allele frequency attached by ClinVar (database versions not stated): gnomAD 0.00001; gnomAD exomes 0.00001 and 0.00005; ExAC 0.00002; TOPMed 0.00002; ESP Exome Variant Server 0.00008.
gnomAD v4.1: 75 of 1,614,078 alleles (0.0046%); highest among the groups gnomAD compares: Non-Finnish European, 0.0062%; no homozygotes.

Submissions (2):

Ambry Genetics
Classification: Uncertain significance for Inborn genetic diseases. Last evaluated: 2025-08-27. Review status: criteria provided, single submitter. Criteria: Ambry Variant Classification Scheme 2023. Collection method: clinical testing. Allele origin: germline.

ITMI
No classification provided. Condition: AllHighlyPenetrant. Last evaluated: 2013-09-19. Review status: no classification provided. Collection method: reference population. Allele origin: germline. Not counted in ClinVar's aggregate classification.
Comment: Please see associated publication for description of ethnicities

Literature cited by the submitters: PubMed 24728327 (cited by ITMI).

NM_170606.3(KMT2C):c.8507A>G (p.Lys2836Arg)

Gene: KMT2C (lysine methyltransferase 2C; minus strand). Cytogenetic location: 7q36.1.
Variant type: single nucleotide variant.
Coding change: c.8507A>G on transcript NM_170606.3 (MANE Select); coding-DNA position 8507, A replaced by G.
Protein change: p.Lys2836Arg; replaces lysine 2836 with arginine.
Molecular consequence: missense variant.
Genome position (GRCh38, 1-based): chr7:152,176,946, T>C on the plus strand (A>G on the coding strand, the complement: KMT2C is on the minus strand). VCF-style: chr7-152176946-T-C. GRCh37 (hg19) VCF-style: chr7-151874031-T-C.
Other names: c.8507A>G (NM_170606.2); short protein forms K2836R.
Identifiers: ClinVar variation 134774 (VCV000134774.2), dbSNP rs142267328, ClinGen allele CA160719.
Genomic context (GRCh38, chr7:152,176,946, plus strand): 5'-GCCTGTGAGCAAGGAGTGTCAACATTATCTTTATTCTCATCATTTTTTTCAGTTTCACAT[T>C]TGGATTCCACCTTAGAATTTGGAGACAGTACTTCCGTTTTTACCTCATTGGTAACAGTGG-3'
Protein context (NP_733751.2, residues 2826-2846): VLSPNSKVES[Lys2836Arg]CETEKNDENK